The following is an entry in ClinVar:

NM_001130698.2(TRPC3):c.2459C>T (p.Ser820Phe)

Gene: TRPC3 (transient receptor potential cation channel subfamily C member 3; minus strand). Cytogenetic location: 4q27.
Variant type: single nucleotide variant.
Coding change: c.2459C>T on transcript NM_001130698.2 (MANE Select); coding-DNA position 2459, C replaced by T.
Protein change: p.Ser820Phe; replaces serine 820 with phenylalanine.
Molecular consequence: missense variant.
Genome position (GRCh38, 1-based): chr4:121,902,856, G>A on the plus strand (C>T on the coding strand, the complement: TRPC3 is on the minus strand). VCF-style: chr4-121902856-G-A. GRCh37 (hg19) VCF-style: chr4-122824011-G-A.
Other names: c.2459C>T, p.Ser820Phe (NM_001366479.2); c.2240C>T, p.Ser747Phe (NM_003305.2); short protein forms S747F, S820F.
Identifiers: ClinVar variation 1932179 (VCV001932179.5), dbSNP rs377662018, ClinGen allele CA3064747.
Genomic context (GRCh38, chr4:121,902,856, plus strand): 5'-AAGAAAAAAAAGACAGAACATTTATTTTAAGGTCTTGGTAAGTTTTCGATACCTACCCTG[G>A]ACTTTGAGTTACCCATTCCCATTTCTATATCCTTCTGAAGCCTTCTCCTTCTGCATTTGG-3'
Protein context (NP_001124170.1, residues 810-830): DIEMGMGNSK[Ser820Phe]RLNLFTQSNS

ClinVar aggregate classification (germline): Uncertain significance (1 of 4 stars; one submission).

Allele frequency attached by ClinVar (database versions not stated): ExAC 0.00001; TOPMed 0.00001; gnomAD exomes 0.00002; ESP Exome Variant Server 0.00008.
gnomAD v4.1: 27 of 1,604,486 alleles (0.0017%); highest among the groups gnomAD compares: Non-Finnish European, 0.0022%; no homozygotes.

Submission:

Labcorp Genetics (formerly Invitae), Labcorp
Classification: Uncertain significance. Last evaluated: 2022-04-06. Review status: criteria provided, single submitter. Criteria: Invitae Variant Classification Sherloc (09022015). Collection method: clinical testing. Allele origin: germline.
Comment: In summary, the available evidence is currently insufficient to determine the role of this variant in disease. Therefore, it has been classified as a Variant of Uncertain Significance. Algorithms developed to predict the effect of missense changes on protein structure and function are either unavailable or do not agree on the potential impact of this missense change (SIFT: "Deleterious"; PolyPhen-2: "Benign"; Align-GVGD: "Class C0"). This variant has not been reported in the literature in individuals affected with TRPC3-related conditions. This variant is present in population databases (rs377662018, gnomAD 0.0009%). This sequence change replaces serine, which is neutral and polar, with phenylalanine, which is neutral and non-polar, at codon 820 of the TRPC3 protein (p.Ser820Phe).